The following is an entry in ClinVar:

NM_014727.3(KMT2B):c.5246G>T (p.Cys1749Phe)

Gene: KMT2B (lysine methyltransferase 2B; plus strand). Cytogenetic location: 19q13.12.
Variant type: single nucleotide variant.
Coding change: c.5246G>T on transcript NM_014727.3 (MANE Select); coding-DNA position 5246, G replaced by T.
Protein change: p.Cys1749Phe; replaces cysteine 1749 with phenylalanine.
Molecular consequence: missense variant.
Genome position (GRCh38, 1-based): chr19:35,730,586, G>T. VCF-style: chr19-35730586-G-T. GRCh37 (hg19) VCF-style: chr19-36221487-G-T.
Other names: short protein forms C1749F.
Identifiers: ClinVar variation 2226209 (VCV002226209.20), dbSNP rs1308907821, ClinGen allele CA405420260.

ClinVar aggregate classification (germline): Uncertain significance. Review status: criteria provided, multiple submitters, no conflicts (2 of 4 stars). 2 submissions from 2 submitters: Uncertain significance (2). Last evaluated 2024-06-01.

Conditions:
Inborn genetic diseases. Identifiers: MedGen C0950123, MeSH D030342.

Allele frequency attached by ClinVar (database versions not stated): gnomAD exomes below 0.00001; gnomAD 0.00001; TOPMed 0.00002.
gnomAD v4.1: 3 of 1,613,892 alleles (0.00019%); highest among the groups gnomAD compares: African/African-American, 0.0013%; no homozygotes.

Submissions (2):

CeGaT Center for Human Genetics Tuebingen
Classification: Uncertain significance. Last evaluated: 2024-06-01. Review status: criteria provided, single submitter. Criteria: CeGaT Center For Human Genetics Tuebingen Variant Classification Criteria Version 2. Collection method: clinical testing. Allele origin: germline. Affected: yes. Observed: 1 variant allele.
Comment: KMT2B: PP2

Ambry Genetics
Classification: Uncertain significance for Inborn genetic diseases. Last evaluated: 2022-08-24. Review status: criteria provided, single submitter. Criteria: Ambry Variant Classification Scheme 2023. Collection method: clinical testing. Allele origin: germline.
Comment: The c.5246G>T (p.C1749F) alteration is located in exon 25 (coding exon 25) of the KMT2B gene. This alteration results from a G to T substitution at nucleotide position 5246, causing the cysteine (C) at amino acid position 1749 to be replaced by a phenylalanine (F). This variant was not reported in population-based cohorts in the Genome Aggregation Database (gnomAD). This amino acid position is not well conserved in available vertebrate species. The in silico prediction for this alteration is inconclusive. Based on insufficient or conflicting evidence, the clinical significance of this alteration remains unclear.